The following is an entry in ClinVar:

NM_033380.3(COL4A5):c.2095G>A (p.Gly699Arg)

Gene: COL4A5 (collagen type IV alpha 5 chain; plus strand). Cytogenetic location: Xq22.3.
Variant type: single nucleotide variant.
Coding change: c.2095G>A on transcript NM_033380.3 (MANE Select); coding-DNA position 2095, G replaced by A.
Protein change: p.Gly699Arg; replaces glycine 699 with arginine.
Molecular consequence: missense variant.
Genome position (GRCh38, 1-based): chrX:108,601,938, G>A. VCF-style: chrX-108601938-G-A. GRCh37 (hg19) VCF-style: chrX-107845168-G-A.
Other names: c.2095G>A, p.Gly699Arg (NM_000495.5); short protein forms G699R.
Identifiers: ClinVar variation 2737340 (VCV002737340.4), dbSNP rs1569495049, ClinGen allele CA413847002.

ClinVar aggregate classification (germline): Pathogenic. Review status: criteria provided, multiple submitters, no conflicts (2 of 4 stars). 2 submissions from 2 submitters: Pathogenic (2). Last evaluated 2026-08-27.

Conditions:
Hematuria. Identifiers: MedGen C0018965, HP:0000790.

Submissions (2):

Genetics Laboratory, Great Ormond Street Hospital NHS Foundation Trust, North Thames Genomic Laboratory Hub
Classification: Pathogenic for Haematuria. Last evaluated: 2026-08-27. Review status: criteria provided, single submitter. Criteria: ACGS Best Practice Guidelines for Variant Classification in Rare Disease 2024 v1.2. Collection method: clinical testing. Allele origin: germline. Affected: yes.
Comment: PS4_moderate, PM2_moderate, PP3_supporting, PM5_moderate, PM1_strong

Labcorp Genetics (formerly Invitae), Labcorp
Classification: Pathogenic. Last evaluated: 2023-11-13. Review status: criteria provided, single submitter. Criteria: Invitae Variant Classification Sherloc (09022015). Collection method: clinical testing. Allele origin: germline.
Comment: This sequence change replaces glycine, which is neutral and non-polar, with arginine, which is basic and polar, at codon 699 of the COL4A5 protein (p.Gly699Arg). This variant is not present in population databases (gnomAD no frequency). This missense change has been observed in individuals with Alport syndrome (PMID: 22921432; Invitae). Advanced modeling of protein sequence and biophysical properties (such as structural, functional, and spatial information, amino acid conservation, physicochemical variation, residue mobility, and thermodynamic stability) performed at Invitae indicates that this missense variant is expected to disrupt COL4A5 protein function with a positive predictive value of 95%. This variant disrupts the triple helix domain of COL4A5. Glycine residues within the Gly-Xaa-Yaa repeats of the triple helix domain are required for the structure and stability of fibrillar collagens (PMID: 7695699, 8218237, 19344236). In COL4A5, missense variants at these glycine residues are significantly enriched in individuals with disease (PMID: 23720012, 27627812) compared to the general population (ExAC). For these reasons, this variant has been classified as Pathogenic.

Literature cited by the submitters: PubMed 22921432 (cited by Labcorp Genetics (formerly Invitae), Labcorp); PubMed 7695699 (cited by Labcorp Genetics (formerly Invitae), Labcorp); PubMed 8218237 (cited by Labcorp Genetics (formerly Invitae), Labcorp); PubMed 19344236 (cited by Labcorp Genetics (formerly Invitae), Labcorp); PubMed 23720012 (cited by Labcorp Genetics (formerly Invitae), Labcorp); PubMed 27627812 (cited by Labcorp Genetics (formerly Invitae), Labcorp).